The following is an entry in ClinVar:

ClinVar aggregate classification (germline): Pathogenic (1 of 4 stars; one submission).

Conditions:
Severe intellectual disability-poor language-strabismus-grimacing face-long fingers syndrome (GAND). Also called: GAND SYNDROME. Identifiers: Orphanet 363686, MedGen C3554448, MONDO:0014034, OMIM 615074.

Submission:

Center for Human Genetics and Genomic Medicine, Uniklinik Rwth Aachen
Classification: Pathogenic for Severe intellectual disability-poor language-strabismus-grimacing face-long fingers syndrome. Last evaluated: 2023-02-09. Review status: criteria provided, single submitter. Criteria: ACMG Guidelines, 2015. Collection method: clinical testing. Allele origin: de novo. Inheritance: Autosomal dominant inheritance. Affected: yes. Observed: 1 heterozygote.
Comment: The variant leads to a frameshift and therefore with high probability to a loss of function of the corresponding protein. Other Loss-of-function variants are already described in patients with GAND syndrome (PMID: 31949314).

NM_020699.4(GATAD2B):c.117_127del (p.Met40fs)

Gene: GATAD2B (GATA zinc finger domain containing 2B; minus strand). Cytogenetic location: 1q21.3.
Variant type: Deletion.
Coding change: c.117_127del on transcript NM_020699.4 (MANE Select); coding-DNA positions 117 to 127, 11 bases deleted (CATGGAACGTC).
Protein change: p.Met40fs; shifts the reading frame from methionine 40.
Molecular consequence: frameshift variant.
Genome position (GRCh38, 1-based): chr1:153,828,221-153,828,231, GACGTTCCATG deleted on the plus strand (CATGGAACGTC on the coding strand, the reverse complement: GATAD2B is on the minus strand); deleting any 11 consecutive bases within chr1:153,828,221-153,828,232 gives the same sequence; the c. name uses the placement nearest the transcript's 3' end. VCF-style (leftmost placement, unchanged base first): chr1-153828220-AGACGTTCCATG-A. GRCh37 (hg19) VCF-style: chr1-153800696-AGACGTTCCATG-A.
Other names: short protein forms M40fs.
Identifiers: ClinVar variation 2429332 (VCV002429332.7), dbSNP rs2525291782, ClinGen allele CA2580061070.